The following is an entry in ClinVar:

NM_014795.4(ZEB2):c.3582G>A (p.Ser1194=)

Gene: ZEB2 (zinc finger E-box binding homeobox 2; minus strand). Cytogenetic location: 2q22.3.
Variant type: single nucleotide variant.
Coding change: c.3582G>A on transcript NM_014795.4 (MANE Select); coding-DNA position 3582, G replaced by A.
Protein change: p.Ser1194=; no amino-acid change (serine 1194 retained).
Molecular consequence: synonymous variant.
Genome position (GRCh38, 1-based): chr2:144,389,514, C>T on the plus strand (G>A on the coding strand, the complement: ZEB2 is on the minus strand). VCF-style: chr2-144389514-C-T. GRCh37 (hg19) VCF-style: chr2-145147081-C-T.
Other names: c.3510G>A, p.Ser1170= (NM_001171653.2).
Identifiers: ClinVar variation 387102 (VCV000387102.1), dbSNP rs1057522691, ClinGen allele CA16603742.
Genomic context (GRCh38, chr2:144,389,514, plus strand): 5'-CATGCCATCTTCCATATTGTCTTCCTCGTGGTCTGATTTGGTTTCCATTTTCCCATCCTC[C>T]GAACTATCGTCCATGGAGTGATCTCCAGTCTCTTCTTCATCTCGTATCGTTTCGGGATCC-3'
Protein context (NP_055610.1, residues 1184-1204): ETGDHSMDDS[Ser1194=]EDGKMETKSD

ClinVar aggregate classification (germline): Likely benign (1 of 4 stars; one submission).

Submission:

GeneDx
Classification: Likely benign. Last evaluated: 2017-07-17. Review status: criteria provided, single submitter. Criteria: GeneDx Variant Classification (06012015). Collection method: clinical testing. Allele origin: germline. Affected: yes.
Comment: This variant is considered likely benign or benign based on one or more of the following criteria: it is a conservative change, it occurs at a poorly conserved position in the protein, it is predicted to be benign by multiple in silico algorithms, and/or has population frequency not consistent with disease.